The following is an entry in ClinVar:

NM_004329.3(BMPR1A):c.1582C>T (p.Gln528Ter)

Gene: BMPR1A (bone morphogenetic protein receptor type 1A; plus strand). Cytogenetic location: 10q23.2.
Variant type: single nucleotide variant.
Coding change: c.1582C>T on transcript NM_004329.3 (MANE Select); coding-DNA position 1582, C replaced by T.
Protein change: p.Gln528Ter; replaces glutamine 528 with a stop codon.
Molecular consequence: nonsense.
Genome position (GRCh38, 1-based): chr10:86,923,702, C>T. VCF-style: chr10-86923702-C-T. GRCh37 (hg19) VCF-style: chr10-88683459-C-T.
Other names: short protein forms Q528*.
Identifiers: ClinVar variation 482859 (VCV000482859.12), dbSNP rs1554891677, ClinGen allele CA377464039.

ClinVar aggregate classification (germline): Uncertain significance. Review status: criteria provided, multiple submitters, no conflicts (2 of 4 stars). 4 submissions from 4 submitters: Uncertain significance (4). Last evaluated 2025-07-22.

Conditions:
Juvenile polyposis syndrome (JPS). Identifiers: Orphanet 2929, MedGen C0345893, MONDO:0017380, OMIM 174900.
Hereditary cancer-predisposing syndrome. Also called: Hereditary neoplastic syndrome; Neoplastic Syndromes, Hereditary; Tumor predisposition; Hereditary Cancer Syndrome. Identifiers: Orphanet 140162, MedGen C0027672, MeSH D009386, MONDO:0015356.

Submissions (4):

Quest Diagnostics Nichols Institute San Juan Capistrano
Classification: Uncertain significance. Last evaluated: 2025-07-22. Review status: criteria provided, single submitter. Criteria: Quest Diagnostics criteria. Collection method: clinical testing. Allele origin: unknown.
Comment: The BMPR1A c.1582C>T (p.Gln528*) variant is not predicted to cause the premature termination of BMPR1A protein synthesis, however, it does remove the last five amino acids of the protein. This variant has not been reported in individuals with BMPR1A-related conditions in the published literature. This variant has not been reported in large, multi-ethnic general populations (Genome Aggregation Database). Based on the available information, we are unable to determine the clinical significance of this variant.

All of Us Research Program, National Institutes of Health
Classification: Uncertain significance for Juvenile polyposis syndrome. Last evaluated: 2024-05-14. Review status: criteria provided, single submitter. Criteria: ACMG Guidelines, 2015. Collection method: clinical testing. Allele origin: germline. Inheritance: Autosomal dominant inheritance. Observed: 1 variant allele, 1 heterozygote.
Comment: This variant causes a C to T nucleotide change in exon 13 of the BMPR1A gene, creating a premature translation stop signal in the last coding exon. This mutant transcript is predicted to escape nonsense-mediated decay and be expressed as a truncated protein lacking the last 5 amino acids of the wild-type protein. To our knowledge, this variant has not been reported in individuals affected with BMPR1A-related disorders in the literature. This variant has not been identified in the general population by the Genome Aggregation Database (gnomAD). Loss of BMPR1A function is a known mechanism of disease. The available evidence is insufficient to determine the role of this variant in disease conclusively. Therefore, this variant is classified as a Variant of Uncertain Significance.

This study involves interpretation of variants in research participants for the purpose of population health screening. Participant phenotype was not available at the time of variant classification. Additional details can be found in publication PMID: 35346344, PMCID: PMC8962531

Labcorp Genetics (formerly Invitae), Labcorp
Classification: Uncertain significance for Juvenile polyposis syndrome. Last evaluated: 2023-06-27. Review status: criteria provided, single submitter. Criteria: Invitae Variant Classification Sherloc (09022015). Collection method: clinical testing. Allele origin: germline.
Comment: In summary, the available evidence is currently insufficient to determine the role of this variant in disease. Therefore, it has been classified as a Variant of Uncertain Significance. Experimental studies and prediction algorithms are not available or were not evaluated, and the functional significance of this variant is currently unknown. ClinVar contains an entry for this variant (Variation ID: 482859). This variant has not been reported in the literature in individuals affected with BMPR1A-related conditions. This variant is not present in population databases (gnomAD no frequency). This sequence change creates a premature translational stop signal (p.Gln528*) in the BMPR1A gene. While this is not anticipated to result in nonsense mediated decay, it is expected to disrupt the last 5 amino acid(s) of the BMPR1A protein.

Ambry Genetics
Classification: Uncertain significance for Hereditary cancer-predisposing syndrome. Last evaluated: 2018-03-06. Review status: criteria provided, single submitter. Criteria: Ambry Variant Classification Scheme 2023. Collection method: clinical testing. Allele origin: germline.
Comment: The p.Q528* variant (also known as c.1582C>T), located in coding exon 11 of the BMPR1A gene, results from a C to T substitution at nucleotide position 1582. This changes the amino acid from a glutamine to a stop codon within coding exon 11. Premature stop codons are typically deleterious in nature, however, this stop codon occurs at the 3' terminus of BMPR1A, is not expected to trigger nonsense-mediated mRNA decay, and removes only the last five amino acids of the protein. The exact functional impact of these removed amino acids is unknown at this time. Since supporting evidence is limited at this time, the clinical significance of this alteration remains unclear.